The following is an entry in ClinVar:

ClinVar aggregate classification (germline): Pathogenic. Review status: criteria provided, multiple submitters, no conflicts (2 of 4 stars). 2 submissions from 2 submitters: Pathogenic (2). Last evaluated 2021-08-22.

Conditions:
Ornithine carbamoyltransferase deficiency (OTCD). Also called: ORNITHINE TRANSCARBAMYLASE DEFICIENCY; ORNITHINE TRANSCARBAMYLASE DEFICIENCY, HYPERAMMONEMIA DUE TO; OTC DEFICIENCY; Ornithine Carbamoyltransferase Deficiency Disease. Identifiers: Orphanet 664, MedGen C0268542, MONDO:0010703, OMIM 311250.

Submissions (2):

Labcorp Genetics (formerly Invitae), Labcorp
Classification: Pathogenic for Ornithine carbamoyltransferase deficiency. Last evaluated: 2021-08-22. Review status: criteria provided, single submitter. Criteria: Invitae Variant Classification Sherloc (09022015). Collection method: clinical testing. Allele origin: germline.
Comment: This sequence change affects a donor splice site in intron 5 of the OTC gene. It is expected to disrupt RNA splicing. Variants that disrupt the donor or acceptor splice site typically lead to a loss of protein function (PMID: 16199547), and loss-of-function variants in OTC are known to be pathogenic (PMID: 10946359, 16786505). This variant is not present in population databases (ExAC no frequency). Disruption of this splice site has been observed in individual(s) with ornithine transcarbamylase deficiency (PMID: 8566955, 31426867). ClinVar contains an entry for this variant (Variation ID: 449675). Algorithms developed to predict the effect of sequence changes on RNA splicing suggest that this variant may disrupt the consensus splice site. For these reasons, this variant has been classified as Pathogenic.

GeneDx
Classification: Pathogenic. Last evaluated: 2016-02-02. Review status: criteria provided, single submitter. Criteria: GeneDx Variant Classification (06012015). Collection method: clinical testing. Allele origin: germline. Affected: yes.
Comment: The c.540+1G>T pathogenic variant in the OTC gene has not been reported previously as a pathogenic variant nor as a benign variant, to our knowledge. This splice site variant destroys the canonical splice donor site in intron 5; it is predicted to cause abnormal gene splicing, either leading to an abnormal message that is subject to nonsense-mediated mRNA decay, or to an abnormal protein product if the message is used for protein translation. Other pathogenic variants (540+1G>C, 540+2T>A, 540+2T>C, 540+2T>G) disrupting this canonical splice site have been reported in the Human Gene Mutation Database in association with OTC deficiency (Stenson et al., 2014). The c.540+1G>T variant was not observed in approximately 6500 individuals of European and African American ancestry in the NHLBI Exome Sequencing Project, indicating it is not a common benign variant in these populations. We interpret c.540+1G>T as a pathogenic variant

Literature cited by the submitters: PubMed 16199547 (cited by Labcorp Genetics (formerly Invitae), Labcorp); PubMed 10946359 (cited by Labcorp Genetics (formerly Invitae), Labcorp); PubMed 16786505 (cited by Labcorp Genetics (formerly Invitae), Labcorp); PubMed 8566955 (cited by Labcorp Genetics (formerly Invitae), Labcorp); PubMed 31426867 (cited by Labcorp Genetics (formerly Invitae), Labcorp).

NM_000531.6(OTC):c.540+1G>T

Gene: OTC (ornithine transcarbamylase; plus strand). Cytogenetic location: Xp11.4.
Variant type: single nucleotide variant.
Coding change: c.540+1G>T on transcript NM_000531.6 (MANE Select); the canonical splice donor site of the intron after coding-DNA position 540, G replaced by T.
Molecular consequence: splice donor variant.
Genome position (GRCh38, 1-based): chrX:38,401,429, G>T. VCF-style: chrX-38401429-G-T. GRCh37 (hg19) VCF-style: chrX-38260682-G-T.
Other names: c.540+1G>T (NM_001407092.1).
Identifiers: ClinVar variation 449675 (VCV000449675.8), dbSNP rs72556288, ClinGen allele CA412724240.
Genomic context (GRCh38, chrX:38,401,429, plus strand): 5'-AATGGGCTGTCAGATTTGTACCATCCTATCCAGATCCTGGCTGATTACCTCACGCTCCAG[G>T]TTGGTTTATTTATTTGTCTTACAAAAGAGCAAAATCAAATAATTCCTGACTTGCTTTAAG-3'